The following is an entry in ClinVar:

NM_005861.4(STUB1):c.13G>A (p.Glu5Lys)

Gene: STUB1 (STIP1 homology and U-box containing protein 1; plus strand). Cytogenetic location: 16p13.3.
Variant type: single nucleotide variant.
Coding change: c.13G>A on transcript NM_005861.4 (MANE Select); coding-DNA position 13, G replaced by A.
Protein change: p.Glu5Lys; replaces glutamic acid 5 with lysine.
Molecular consequence: missense variant. On other transcripts: 5 prime UTR variant (1).
Genome position (GRCh38, 1-based): chr16:680,538, G>A. VCF-style: chr16-680538-G-A. GRCh37 (hg19) VCF-style: chr16-730538-G-A.
Other names: p.Glu5Lys; c.-293G>A (NM_001293197.2); short protein forms E5K.
Identifiers: ClinVar variation 3380336 (VCV003380336.1).

ClinVar aggregate classification (germline): Uncertain significance (1 of 4 stars; one submission).

Submission:

Mayo Clinic Laboratories, Mayo Clinic
Classification: Uncertain significance. Last evaluated: 2024-04-08. Review status: criteria provided, single submitter. Criteria: ACMG Guidelines, 2015. Collection method: clinical testing. Allele origin: germline. Observed: 1 variant allele.
Comment: BP4